The following is an entry in ClinVar:

NM_033305.3(VPS13A):c.7476T>G (p.Phe2492Leu)

Gene: VPS13A (vacuolar protein sorting 13 homolog A; plus strand). Cytogenetic location: 9q21.2.
Variant type: single nucleotide variant.
Coding change: c.7476T>G on transcript NM_033305.3 (MANE Select); coding-DNA position 7476, T replaced by G.
Protein change: p.Phe2492Leu; replaces phenylalanine 2492 with leucine.
Molecular consequence: missense variant.
Genome position (GRCh38, 1-based): chr9:77,353,465, T>G. VCF-style: chr9-77353465-T-G. GRCh37 (hg19) VCF-style: chr9-79968381-T-G.
Other names: c.7359T>G, p.Phe2453Leu (NM_001018037.2); c.7476T>G, p.Phe2492Leu (NM_001018038.3, NM_015186.4); short protein forms F2453L, F2492L.
Identifiers: ClinVar variation 3361052 (VCV003361052.1).

ClinVar aggregate classification (germline): Uncertain significance (1 of 4 stars; one submission).

gnomAD v4.1: 4 of 1,612,956 alleles (0.00025%); highest among the groups gnomAD compares: Admixed American, 0.0067%; no homozygotes.

Submission:

GeneDx
Classification: Uncertain significance. Last evaluated: 2023-07-20. Review status: criteria provided, single submitter. Criteria: GeneDx Variant Classification Process June 2021. Collection method: clinical testing. Allele origin: germline. Affected: yes.
Comment: Not observed at significant frequency in large population cohorts (gnomAD); In silico analysis supports that this missense variant does not alter protein structure/function; Has not been previously published as pathogenic or benign to our knowledge